The following is an entry in ClinVar:

ClinVar aggregate classification (germline): Conflicting classifications of pathogenicity. Review status: criteria provided, conflicting classifications (1 of 4 stars). 2 submissions from 2 submitters: Uncertain significance (1); Likely benign (1). Last evaluated 2025-03-02.

Conditions:
Mosaic variegated aneuploidy syndrome 2 (MVA2). Identifiers: Orphanet 1052, MedGen C3279843, MONDO:0013582, OMIM 614114.
Inborn genetic diseases. Identifiers: MedGen C0950123, MeSH D030342.

Allele frequency attached by ClinVar (database versions not stated): gnomAD exomes below 0.00001; gnomAD 0.00001; TOPMed 0.00003.
gnomAD v4.1: 3 of 1,614,058 alleles (0.00019%); highest among the groups gnomAD compares: African/African-American, 0.004%; no homozygotes.

Submissions (2):

Ambry Genetics
Classification: Likely benign for Inborn genetic diseases. Last evaluated: 2025-03-02. Review status: criteria provided, single submitter. Criteria: Ambry Variant Classification Scheme 2023. Collection method: clinical testing. Allele origin: germline.

Labcorp Genetics (formerly Invitae), Labcorp
Classification: Uncertain significance for Mosaic variegated aneuploidy syndrome 2. Last evaluated: 2024-08-29. Review status: criteria provided, single submitter. Criteria: Invitae Variant Classification Sherloc (09022015). Collection method: clinical testing. Allele origin: germline.
Comment: This sequence change replaces asparagine, which is neutral and polar, with serine, which is neutral and polar, at codon 328 of the CEP57 protein (p.Asn328Ser). This variant is not present in population databases (gnomAD no frequency). This variant has not been reported in the literature in individuals affected with CEP57-related conditions. ClinVar contains an entry for this variant (Variation ID: 2073437). Invitae Evidence Modeling of protein sequence and biophysical properties (such as structural, functional, and spatial information, amino acid conservation, physicochemical variation, residue mobility, and thermodynamic stability) indicates that this missense variant is not expected to disrupt CEP57 protein function with a negative predictive value of 80%. In summary, the available evidence is currently insufficient to determine the role of this variant in disease. Therefore, it has been classified as a Variant of Uncertain Significance.

NM_014679.5(CEP57):c.983A>G (p.Asn328Ser)

Gene: CEP57 (centrosomal protein 57; plus strand). Cytogenetic location: 11q21.
Variant type: single nucleotide variant.
Coding change: c.983A>G on transcript NM_014679.5 (MANE Select); coding-DNA position 983, A replaced by G.
Protein change: p.Asn328Ser; replaces asparagine 328 with serine.
Molecular consequence: missense variant.
Genome position (GRCh38, 1-based): chr11:95,827,883, A>G. VCF-style: chr11-95827883-A-G. GRCh37 (hg19) VCF-style: chr11-95561047-A-G.
Other names: c.956A>G, p.Asn319Ser (NM_001243776.2); c.905A>G, p.Asn302Ser (NM_001243777.2); c.902A>G, p.Asn301Ser (NM_001363604.2); c.983A>G (NM_014679.4); short protein forms N328S, N301S, N302S, N319S.
Identifiers: ClinVar variation 2073437 (VCV002073437.5), dbSNP rs1005543441, ClinGen allele CA226586269.